The following is an entry in ClinVar:

ClinVar aggregate classification (germline): Uncertain significance. Review status: criteria provided, multiple submitters, no conflicts (2 of 4 stars). 3 submissions from 3 submitters: Uncertain significance (3). Last evaluated 2025-05-15.

Allele frequency attached by ClinVar (database versions not stated): TOPMed 0.00002.
gnomAD v4.1: 2 of 1,613,748 alleles (0.00012%); no homozygotes.

Submissions (3):

GeneDx
Classification: Uncertain significance. Last evaluated: 2025-05-15. Review status: criteria provided, single submitter. Criteria: GeneDx Variant Classification Process June 2021. Collection method: clinical testing. Allele origin: germline. Affected: yes.
Comment: Not observed at significant frequency in large population cohorts (gnomAD); In silico analysis suggests that this missense variant does not alter protein structure/function; Has not been previously published as pathogenic or benign to our knowledge

Women's Health and Genetics/Laboratory Corporation of America, LabCorp
Classification: Uncertain significance. Last evaluated: 2024-12-02. Review status: criteria provided, single submitter. Criteria: LabCorp Variant Classification Summary - May 2015. Collection method: clinical testing. Allele origin: germline.
Comment: Variant summary: ADGRV1 c.15853C>G (p.Leu5285Val) results in a conservative amino acid change in the encoded protein sequence. Five of five in-silico tools predict a benign effect of the variant on protein function. The frequency data for this variant in gnomAD is considered unreliable, as metrics indicate poor data quality at this position. To our knowledge, no occurrence of c.15853C>G in individuals affected with ADGRV1-Related Disorders and no experimental evidence demonstrating its impact on protein function have been reported. ClinVar contains an entry for this variant (Variation ID: 1391731). Based on the evidence outlined above, the variant was classified as uncertain significance.

Labcorp Genetics (formerly Invitae), Labcorp
Classification: Uncertain significance. Last evaluated: 2021-11-13. Review status: criteria provided, single submitter. Criteria: Invitae Variant Classification Sherloc (09022015). Collection method: clinical testing. Allele origin: germline.
Comment: This sequence change replaces leucine, which is neutral and non-polar, with valine, which is neutral and non-polar, at codon 5285 of the ADGRV1 protein (p.Leu5285Val). This variant is not present in population databases (gnomAD no frequency). This variant has not been reported in the literature in individuals affected with ADGRV1-related conditions. Algorithms developed to predict the effect of missense changes on protein structure and function are either unavailable or do not agree on the potential impact of this missense change (SIFT: "Deleterious"; PolyPhen-2: "Possibly Damaging"; Align-GVGD: "Class C0"). Algorithms developed to predict the effect of sequence changes on RNA splicing suggest that this variant may create or strengthen a splice site. In summary, the available evidence is currently insufficient to determine the role of this variant in disease. Therefore, it has been classified as a Variant of Uncertain Significance.

NM_032119.4(ADGRV1):c.15853C>G (p.Leu5285Val)

Gene: ADGRV1 (adhesion G protein-coupled receptor V1; plus strand). Cytogenetic location: 5q14.3.
Variant type: single nucleotide variant.
Coding change: c.15853C>G on transcript NM_032119.4 (MANE Select); coding-DNA position 15853, C replaced by G.
Protein change: p.Leu5285Val; replaces leucine 5285 with valine.
Molecular consequence: missense variant. On other transcripts: non-coding transcript variant (1).
Genome position (GRCh38, 1-based): chr5:90,811,113, C>G. VCF-style: chr5-90811113-C-G. GRCh37 (hg19) VCF-style: chr5-90106930-C-G.
Other names: c.15853C>G (NM_032119.3); short protein forms L5285V.
Identifiers: ClinVar variation 1391731 (VCV001391731.5), dbSNP rs1762402997, ClinGen allele CA360411135.